The following is an entry in ClinVar:

ClinVar aggregate classification (germline): Uncertain significance. Review status: criteria provided, multiple submitters, no conflicts (2 of 4 stars). 3 submissions from 3 submitters: Uncertain significance (3). Last evaluated 2025-07-03.

Conditions:
Catecholaminergic polymorphic ventricular tachycardia (CVPT). Also called: Catecholamine-induced polymorphic ventricular tachycardia. Identifiers: Orphanet 3286, MedGen C5574922, MONDO:0017990.
Cardiomyopathy (CMYO). Also called: Cardiomyopathies. Identifiers: Orphanet 167848, MedGen C0878544, MONDO:0004994, HP:0001638. Inheritance: Various modes of inheritance.
Catecholaminergic polymorphic ventricular tachycardia 1. Also called: VENTRICULAR TACHYCARDIA, CATECHOLAMINERGIC POLYMORPHIC, 1, WITH OR WITHOUT ATRIAL DYSFUNCTION AND/OR DILATED CARDIOMYOPATHY; RYR2-Related Catecholaminergic Polymorphic Ventricular Tachycardia; VENTRICULAR TACHYCARDIA, STRESS-INDUCED POLYMORPHIC 1. Identifiers: Orphanet 3286, MedGen C1631597, MONDO:0011484, OMIM 604772.

Allele frequency attached by ClinVar (database versions not stated): gnomAD exomes below 0.00001.
gnomAD v4.1: 1 of 1,613,952 alleles (0.000062%); highest among the groups gnomAD compares: Non-Finnish European, 0.000085%; no homozygotes.

Submissions (3):

Labcorp Genetics (formerly Invitae), Labcorp
Classification: Uncertain significance for Catecholaminergic polymorphic ventricular tachycardia 1. Last evaluated: 2025-07-03. Review status: criteria provided, single submitter. Criteria: Invitae Variant Classification Sherloc (09022015). Collection method: clinical testing. Allele origin: germline.
Comment: This sequence change replaces valine, which is neutral and non-polar, with isoleucine, which is neutral and non-polar, at codon 247 of the RYR2 protein (p.Val247Ile). This variant is present in population databases (no rsID available, gnomAD 0.0009%). This variant has not been reported in the literature in individuals affected with RYR2-related conditions. ClinVar contains an entry for this variant (Variation ID: 923806). Invitae Evidence Modeling of protein sequence and biophysical properties (such as structural, functional, and spatial information, amino acid conservation, physicochemical variation, residue mobility, and thermodynamic stability) indicates that this missense variant is not expected to disrupt RYR2 protein function with a negative predictive value of 95%. In summary, the available evidence is currently insufficient to determine the role of this variant in disease. Therefore, it has been classified as a Variant of Uncertain Significance.

Color Diagnostics, LLC DBA Color Health
Classification: Uncertain significance for Cardiomyopathy. Last evaluated: 2024-03-07. Review status: criteria provided, single submitter. Criteria: ACMG Guidelines, 2015. Collection method: clinical testing. Allele origin: germline.
Comment: This missense variant replaces valine with isoleucine at codon 247 of the RYR2 protein. Computational prediction suggests that this variant may not impact protein structure and function (internally defined REVEL score threshold <= 0.5, PMID: 27666373). Splice site prediction tools suggest that this variant may not impact RNA splicing. To our knowledge, functional studies have not been performed for this variant. This variant has not been reported in individuals affected with cardiovascular disorders in the literature. This variant has been identified in 1/249036 chromosomes in the general population by the Genome Aggregation Database (gnomAD). The available evidence is insufficient to determine the role of this variant in disease conclusively. Therefore, this variant is classified as a Variant of Uncertain Significance.

All of Us Research Program, National Institutes of Health
Classification: Uncertain significance for Catecholaminergic polymorphic ventricular tachycardia. Last evaluated: 2024-03-05. Review status: criteria provided, single submitter. Criteria: ACMG Guidelines, 2015. Collection method: clinical testing. Allele origin: germline. Inheritance: Autosomal dominant inheritance. Observed: 1 variant allele, 1 heterozygote.
Comment: This missense variant replaces valine with isoleucine at codon 247 of the RYR2 protein. Computational prediction suggests that this variant may not impact protein structure and function (internally defined REVEL score threshold <= 0.5, PMID: 27666373). Splice site prediction tools suggest that this variant may not impact RNA splicing. To our knowledge, functional studies have not been performed for this variant. This variant has not been reported in individuals affected with cardiovascular disorders in the literature. This variant has been identified in 1/249036 chromosomes in the general population by the Genome Aggregation Database (gnomAD). The available evidence is insufficient to determine the role of this variant in disease conclusively. Therefore, this variant is classified as a Variant of Uncertain Significance.

This study involves interpretation of variants in research participants for the purpose of population health screening. Participant phenotype was not available at the time of variant classification. Additional details can be found in publication PMID: 35346344, PMCID: PMC8962531

NM_001035.3(RYR2):c.739G>A (p.Val247Ile)

Gene: RYR2 (ryanodine receptor 2; plus strand). Cytogenetic location: 1q43.
Variant type: single nucleotide variant.
Coding change: c.739G>A on transcript NM_001035.3 (MANE Select); coding-DNA position 739, G replaced by A.
Protein change: p.Val247Ile; replaces valine 247 with isoleucine.
Molecular consequence: missense variant.
Genome position (GRCh38, 1-based): chr1:237,388,149, G>A. VCF-style: chr1-237388149-G-A. GRCh37 (hg19) VCF-style: chr1-237551449-G-A.
Other names: short protein forms V247I.
Identifiers: ClinVar variation 923806 (VCV000923806.14), dbSNP rs1261194692, ClinGen allele CA345378346.